The following is an entry in ClinVar:

ClinVar aggregate classification (germline): Uncertain significance (1 of 4 stars; one submission).

Conditions:
Dyskeratosis congenita, autosomal dominant 1 (DKCA1). Also called: Dyskeratosis congenita Scoggins type. Identifiers: Orphanet 1775, MedGen C4551974, MONDO:0007485, OMIM 127550. Inheritance: Variable.

Allele frequency attached by ClinVar (database versions not stated): gnomAD exomes below 0.00001.
gnomAD v4.1: 1 of 765,080 alleles (0.00013%); highest among the groups gnomAD compares: Non-Finnish European, 0.00024%; no homozygotes.

Submission:

Labcorp Genetics (formerly Invitae), Labcorp
Classification: Uncertain significance for Dyskeratosis congenita, autosomal dominant 1. Last evaluated: 2023-02-26. Review status: criteria provided, single submitter. Criteria: Invitae Variant Classification Sherloc (09022015). Collection method: clinical testing. Allele origin: germline.
Comment: This variant occurs in the TERC gene, which encodes an RNA molecule that does not result in a protein product. The frequency data for this variant in the population databases is considered unreliable, as metrics indicate poor data quality at this position in the gnomAD database. This variant has not been reported in the literature in individuals affected with TERC-related conditions. This variant is located at the 5’ end of the TERC RNA component (PMID: 15082312, 21844345). The functional significance of this region is not well understood. In summary, the available evidence is currently insufficient to determine the role of this variant in disease. Therefore, it has been classified as a Variant of Uncertain Significance.

Literature cited by the submitters: PubMed 15082312; PubMed 21844345.

NC_000003.12:g.169765036C>A

Genes: TERC (telomerase RNA component; minus strand), LOC110806306 (telomerase RNA component (TERC) promoter; plus strand). Cytogenetic location: 3q26.2.
Variant type: single nucleotide variant.
Genome position: GRCh38 VCF-style: chr3-169765036-C-A. GRCh37 (hg19) VCF-style: chr3-169482824-C-A.
Identifiers: ClinVar variation 2822064 (VCV002822064.3), dbSNP rs1164593038, ClinGen allele CA436716018.